The following is an entry in ClinVar:

ClinVar aggregate classification (germline): Conflicting classifications of pathogenicity. Review status: criteria provided, conflicting classifications (1 of 4 stars). 6 submissions from 6 submitters: Uncertain significance (1); Benign (2); Likely benign (2). 1 of the submissions does not count toward it. Last evaluated 2025-12-03.

Conditions:
KAT6A-related disorder. Also called: KAT6A-related condition.
Inborn genetic diseases. Identifiers: MedGen C0950123, MeSH D030342.

Allele frequency attached by ClinVar (database versions not stated): gnomAD 0.00010 and 0.00013; gnomAD exomes 0.00012 and 0.00022; TOPMed 0.00014; ExAC 0.00016.

Submissions (6):

Labcorp Genetics (formerly Invitae), Labcorp
Classification: Likely benign. Last evaluated: 2025-12-03. Review status: criteria provided, single submitter. Criteria: Invitae Variant Classification Sherloc (09022015). Collection method: clinical testing. Allele origin: germline.

CeGaT Center for Human Genetics Tuebingen
Classification: Likely benign. Last evaluated: 2025-04-01. Review status: criteria provided, single submitter. Criteria: CeGaT Center For Human Genetics Tuebingen Variant Classification Criteria Version 2. Collection method: clinical testing. Allele origin: germline. Affected: yes. Observed: 1 variant allele.
Comment: KAT6A: BS2

GeneDx
Classification: Benign. Last evaluated: 2020-02-10. Review status: criteria provided, single submitter. Criteria: GeneDx Variant Classification Process June 2021. Collection method: clinical testing. Allele origin: germline. Affected: yes.

Ambry Genetics
Classification: Benign for Inborn genetic diseases. Last evaluated: 2019-07-17. Review status: criteria provided, single submitter. Criteria: Ambry Variant Classification Scheme 2023. Collection method: clinical testing. Allele origin: germline.

Center for Pediatric Genomic Medicine, Children's Mercy Hospital and Clinics
Classification: Uncertain significance. Last evaluated: 2017-08-01. Review status: criteria provided, single submitter. Criteria: ACMG Guidelines, 2015. Collection method: clinical testing. Allele origin: germline.

PreventionGenetics, part of Exact Sciences
Classification: Likely benign for KAT6A-related condition. Last evaluated: 2021-09-03. Review status: no assertion criteria provided. Collection method: clinical testing. Allele origin: germline. Not counted in ClinVar's aggregate classification.
Comment: This variant is classified as likely benign based on ACMG/AMP sequence variant interpretation guidelines (Richards et al. 2015 PMID: 25741868, with internal and published modifications).

NM_006766.5(KAT6A):c.5740A>G (p.Met1914Val)

Gene: KAT6A (lysine acetyltransferase 6A; minus strand). Cytogenetic location: 8p11.21.
Variant type: single nucleotide variant.
Coding change: c.5740A>G on transcript NM_006766.5 (MANE Select); coding-DNA position 5740, A replaced by G.
Protein change: p.Met1914Val; replaces methionine 1914 with valine.
Molecular consequence: missense variant.
Genome position (GRCh38, 1-based): chr8:41,932,480, T>C on the plus strand (A>G on the coding strand, the complement: KAT6A is on the minus strand). VCF-style: chr8-41932480-T-C. GRCh37 (hg19) VCF-style: chr8-41789998-T-C.
Other names: c.5740A>G (NM_006766.4); short protein forms M1914V.
Identifiers: ClinVar variation 445654 (VCV000445654.31), dbSNP rs750315709, ClinGen allele CA4729244.